The following is an entry in ClinVar:

NM_181458.4(PAX3):c.1027_1028del (p.Thr343fs)

Genes: PAX3 (paired box 3; minus strand), LOC126806529 (CDK7 strongly-dependent group 2 enhancer GRCh37_chr2:223084735-223085934; plus strand). Cytogenetic location: 2q36.1.
Variant type: Deletion.
Coding change: c.1027_1028del on transcript NM_181458.4 (MANE Select); coding-DNA positions 1027 to 1028, 2 bases deleted (AC; older notation c.1027_1028delAC).
Protein change: p.Thr343fs; shifts the reading frame from threonine 343.
Molecular consequence: frameshift variant.
Genome position (GRCh38, 1-based): chr2:222,220,285-222,220,286, GT deleted on the plus strand (AC on the coding strand, the reverse complement: PAX3 is on the minus strand); deleting any 2 consecutive bases within chr2:222,220,285-222,220,287 gives the same sequence; the c. name uses the placement nearest the transcript's 3' end. VCF-style (leftmost placement, unchanged base first): chr2-222220284-CGT-C. GRCh37 (hg19) VCF-style: chr2-223085003-CGT-C.
Other names: c.1024_1025del, p.Thr342fs (NM_001127366.3); c.1027_1028del, p.Thr343fs (NM_181457.4, NM_181459.4, NM_181460.4 and 1 more transcripts); short protein forms T342fs, T343fs.
Identifiers: ClinVar variation 4994799 (VCV004994799.1).
Genomic context (GRCh38, chr2:222,220,284, plus strand): 5'-AAATCCATGCCTGGTGCTGGGGAGGCAGTAGGCAGAGCTGCTGTCTGGGTTGGAAGGAAT[CGT>C]GCTTTGGTGTACAGTGCTTGGAGGAAGCGGTTGAGGTCTGTGAACGGTGCTGCTGGGATC-3'

ClinVar aggregate classification (germline): Likely pathogenic (1 of 4 stars; one submission).

Conditions:
PAX3-related disorder. Also called: PAX3-related condition.

Submission:

PreventionGenetics, part of Exact Sciences
Classification: Likely pathogenic for PAX3-related condition. Last evaluated: 2026-08-04. Review status: criteria provided, single submitter. Criteria: ACMG Guidelines, 2015. Collection method: clinical testing. Allele origin: germline.
Comment: The PAX3 c.1027_1028delAC variant is predicted to result in a frameshift and premature protein termination (p.Thr343Aspfs*66). To our knowledge, this variant has not been reported in the literature or in a large population database (gnomAD), indicating this variant is rare. Frameshift variants in PAX3 are expected to be pathogenic. This variant is interpreted as likely pathogenic.